The following is an entry in ClinVar:

NM_004082.5(DCTN1):c.178G>T (p.Val60Leu)

Gene: DCTN1 (dynactin subunit 1; minus strand). Cytogenetic location: 2p13.1.
Variant type: single nucleotide variant.
Coding change: c.178G>T on transcript NM_004082.5 (MANE Select); coding-DNA position 178, G replaced by T.
Protein change: p.Val60Leu; replaces valine 60 with leucine.
Molecular consequence: missense variant. On other transcripts: non-coding transcript variant (1).
Genome position (GRCh38, 1-based): chr2:74,378,101, C>A on the plus strand (G>T on the coding strand, the complement: DCTN1 is on the minus strand). VCF-style: chr2-74378101-C-A. GRCh37 (hg19) VCF-style: chr2-74605228-C-A.
Other names: c.178G>T, p.Val60Leu (NM_001135040.3, NM_001190837.2); c.127G>T, p.Val43Leu (NM_001190836.2, NM_001378991.1, NM_001378992.1); short protein forms V43L, V60L.
Identifiers: ClinVar variation 4536310 (VCV004536310.1).

ClinVar aggregate classification (germline): Uncertain significance (1 of 4 stars; one submission).

Submission:

GeneDx
Classification: Uncertain significance. Last evaluated: 2025-06-02. Review status: criteria provided, single submitter. Criteria: GeneDx Variant Classification Process June 2021. Collection method: clinical testing. Allele origin: germline. Affected: yes.
Comment: Not observed at significant frequency in large population cohorts (gnomAD); In silico analysis supports that this missense variant has a deleterious effect on protein structure/function; Has not been previously published as pathogenic or benign to our knowledge